The following is an entry in ClinVar:

NM_198859.4(PRICKLE2):c.2126C>T (p.Ser709Phe)

Genes: PRICKLE2 (prickle planar cell polarity protein 2; minus strand), PRICKLE2-AS1 (PRICKLE2 antisense RNA 1; plus strand). Cytogenetic location: 3p14.1.
Variant type: single nucleotide variant.
Coding change: c.2126C>T on transcript NM_198859.4 (MANE Select); coding-DNA position 2126, C replaced by T.
Protein change: p.Ser709Phe; replaces serine 709 with phenylalanine.
Molecular consequence: missense variant. On other transcripts: non-coding transcript variant (1).
Genome position (GRCh38, 1-based): chr3:64,099,460, G>A on the plus strand (C>T on the coding strand, the complement: PRICKLE2 is on the minus strand). VCF-style: chr3-64099460-G-A. GRCh37 (hg19) VCF-style: chr3-64085136-G-A.
Other names: c.2126C>T, p.Ser709Phe (NM_001370528.1); short protein forms S709F.
Identifiers: ClinVar variation 2777688 (VCV002777688.3), dbSNP rs1559505915, ClinGen allele CA353426730.

ClinVar aggregate classification (germline): Uncertain significance (1 of 4 stars; one submission).

Conditions:
Progressive myoclonic epilepsy type 5. Identifiers: Orphanet 402082, MedGen C5190799.

gnomAD v4.1: 5 of 1,585,128 alleles (0.00032%); highest among the groups gnomAD compares: Non-Finnish European, 0.00043%; no homozygotes.

Submission:

Labcorp Genetics (formerly Invitae), Labcorp
Classification: Uncertain significance for Progressive myoclonic epilepsy type 5. Last evaluated: 2022-12-08. Review status: criteria provided, single submitter. Criteria: Invitae Variant Classification Sherloc (09022015). Collection method: clinical testing. Allele origin: germline.
Comment: This variant is not present in population databases (gnomAD no frequency). In summary, the available evidence is currently insufficient to determine the role of this variant in disease. Therefore, it has been classified as a Variant of Uncertain Significance. Advanced modeling of protein sequence and biophysical properties (such as structural, functional, and spatial information, amino acid conservation, physicochemical variation, residue mobility, and thermodynamic stability) performed at Invitae indicates that this missense variant is not expected to disrupt PRICKLE2 protein function. This variant has not been reported in the literature in individuals affected with PRICKLE2-related conditions. This sequence change replaces serine, which is neutral and polar, with phenylalanine, which is neutral and non-polar, at codon 709 of the PRICKLE2 protein (p.Ser709Phe).